The following is an entry in ClinVar:

ClinVar aggregate classification (germline): Likely benign. Review status: criteria provided, single submitter (1 of 4 stars). 2 submissions from 2 submitters: Likely benign (1). 1 of the submissions does not count toward it. Last evaluated 2025-03-31.

Conditions:
IL11RA-related disorder. Also called: IL11RA-related condition.

Allele frequency attached by ClinVar (database versions not stated): ExAC 0.00016; gnomAD 0.00010; TOPMed 0.00012.
gnomAD v4.1: 225 of 1,613,952 alleles (0.014%); highest among the groups gnomAD compares: Middle Eastern, 0.033%; no homozygotes.

Submissions (2):

Labcorp Genetics (formerly Invitae), Labcorp
Classification: Likely benign. Last evaluated: 2025-03-31. Review status: criteria provided, single submitter. Criteria: Invitae Variant Classification Sherloc (09022015). Collection method: clinical testing. Allele origin: germline.

PreventionGenetics, part of Exact Sciences
Classification: Likely benign for IL11RA-related condition. Last evaluated: 2019-09-05. Review status: no assertion criteria provided. Collection method: clinical testing. Allele origin: germline. Not counted in ClinVar's aggregate classification.
Comment: This variant is classified as likely benign based on ACMG/AMP sequence variant interpretation guidelines (Richards et al. 2015 PMID: 25741868, with internal and published modifications).

NM_001142784.3(IL11RA):c.153G>C (p.Val51=)

Gene: IL11RA (interleukin 11 receptor subunit alpha; plus strand). Cytogenetic location: 9p13.3.
Variant type: single nucleotide variant.
Coding change: c.153G>C on transcript NM_001142784.3 (MANE Select); coding-DNA position 153, G replaced by C.
Protein change: p.Val51=; no amino-acid change (valine 51 retained).
Molecular consequence: synonymous variant. On other transcripts: non-coding transcript variant (1).
Genome position (GRCh38, 1-based): chr9:34,655,657, G>C. VCF-style: chr9-34655657-G-C. GRCh37 (hg19) VCF-style: chr9-34655654-G-C.
Other names: c.153G>C (NM_001142784.2).
Identifiers: ClinVar variation 2958491 (VCV002958491.5), dbSNP rs780569801, ClinGen allele CA5036376.